The following is an entry in ClinVar:

ClinVar aggregate classification (germline): Uncertain significance. Review status: criteria provided, multiple submitters, no conflicts (2 of 4 stars). 2 submissions from 2 submitters: Uncertain significance (2). Last evaluated 2020-04-15.

Conditions:
Spastic paraplegia. Identifiers: MedGen C0037772, HP:0001258.

Allele frequency attached by ClinVar (database versions not stated): gnomAD 0.00001; gnomAD exomes 0.00001; ExAC 0.00002; TOPMed 0.00002; 1000 Genomes Project 30x 0.00016; 1000 Genomes Project 0.00020.
gnomAD v4.1: 10 of 1,613,770 alleles (0.00062%); highest among the groups gnomAD compares: East Asian, 0.016%; no homozygotes.

Submissions (2):

Labcorp Genetics (formerly Invitae), Labcorp
Classification: Uncertain significance for Spastic paraplegia. Last evaluated: 2020-04-15. Review status: criteria provided, single submitter. Criteria: Invitae Variant Classification Sherloc (09022015). Collection method: clinical testing. Allele origin: germline.
Comment: In summary, the available evidence is currently insufficient to determine the role of this variant in disease. Therefore, it has been classified as a Variant of Uncertain Significance. Algorithms developed to predict the effect of missense changes on protein structure and function (SIFT, PolyPhen-2, Align-GVGD) all suggest that this variant is likely to be tolerated, but these predictions have not been confirmed by published functional studies and their clinical significance is uncertain. This variant has not been reported in the literature in individuals with HSPD1-related conditions. This variant is present in population databases (rs184516277, ExAC 0.02%). This sequence change replaces valine with isoleucine at codon 432 of the HSPD1 protein (p.Val432Ile). The valine residue is moderately conserved and there is a small physicochemical difference between valine and isoleucine.

Breakthrough Genomics
Classification: Uncertain significance. Review status: criteria provided, single submitter. Criteria: ACMG Guidelines, 2015. Collection method: not provided. Allele origin: germline. Inheritance: Autosomal recessive inheritance. Affected: yes.

NM_002156.5(HSPD1):c.1294G>A (p.Val432Ile)

Gene: HSPD1 (heat shock protein family D (Hsp60) member 1; minus strand). Cytogenetic location: 2q33.1.
Variant type: single nucleotide variant.
Coding change: c.1294G>A on transcript NM_002156.5 (MANE Select); coding-DNA position 1294, G replaced by A.
Protein change: p.Val432Ile; replaces valine 432 with isoleucine.
Molecular consequence: missense variant.
Genome position (GRCh38, 1-based): chr2:197,488,413, C>T on the plus strand (G>A on the coding strand, the complement: HSPD1 is on the minus strand). VCF-style: chr2-197488413-C-T. GRCh37 (hg19) VCF-style: chr2-198353137-C-T.
Other names: c.1294G>A, p.Val432Ile (NM_199440.2); short protein forms V432I.
Identifiers: ClinVar variation 1016855 (VCV001016855.10), dbSNP rs184516277, ClinGen allele CA2043398.
Genomic context (GRCh38, chr2:197,488,413, plus strand): 5'-CCAAGGCTGGAATGCATCGAAGGAGGGCACAACCCCCTCCCAAAACAATGCCTTCTTCAA[C>T]AGCAGCTCTTGTAGCATTAAGGGCATCTGTAACTCTGTCTTTCTTTTCATTCACTTCAAC-3'
Protein context (NP_002147.2, residues 422-442): TDALNATRAA[Val432Ile]EEGIVLGGGC